The following is an entry in ClinVar:

NM_080732.4(EGLN2):c.695C>T (p.Pro232Leu)

Genes: RAB4B-EGLN2 (RAB4B-EGLN2 readthrough (NMD candidate); plus strand), EGLN2 (egl-9 family hypoxia inducible factor 2; plus strand). Cytogenetic location: 19q13.2.
Variant type: single nucleotide variant.
Coding change: c.695C>T on transcript NM_080732.4 (MANE Select); coding-DNA position 695, C replaced by T.
Protein change: p.Pro232Leu; replaces proline 232 with leucine.
Molecular consequence: missense variant. On other transcripts: non-coding transcript variant (1).
Genome position (GRCh38, 1-based): chr19:40,801,267, C>T. VCF-style: chr19-40801267-C-T. GRCh37 (hg19) VCF-style: chr19-41307172-C-T.
Other names: c.695C>T, p.Pro232Leu (NM_053046.4); short protein forms P232L.
Identifiers: ClinVar variation 1756317 (VCV001756317.3), dbSNP rs759708362, ClinGen allele CA9452283.

ClinVar aggregate classification (germline): Uncertain significance (1 of 4 stars; one submission).

Allele frequency attached by ClinVar (database versions not stated): TOPMed below 0.00001; ExAC 0.00001; gnomAD 0.00001; gnomAD exomes 0.00001.

Submission:

Ambry Genetics
Classification: Uncertain significance. Last evaluated: 2024-07-15. Review status: criteria provided, single submitter. Criteria: Ambry Variant Classification Scheme 2023. Collection method: clinical testing. Allele origin: germline.
Comment: The p.P232L variant (also known as c.695C>T), located in coding exon 1 of the EGLN2 gene, results from a C to T substitution at nucleotide position 695. The proline at codon 232 is replaced by leucine, an amino acid with similar properties. This amino acid position is conserved. In addition, this alteration is predicted to be tolerated by in silico analysis. Since supporting evidence is limited at this time, the clinical significance of this alteration remains unclear.